The following is an entry in ClinVar:

ClinVar aggregate classification (germline): Uncertain significance. Review status: criteria provided, multiple submitters, no conflicts (2 of 4 stars). 2 submissions from 2 submitters: Uncertain significance (2). Last evaluated 2024-03-27.

Conditions:
Common variable immunodeficiency (CVID). Also called: Common variable hypogamma-globulinemia; Common variable agammaglobulinemia. Identifiers: Orphanet 1572, MedGen C0009447, MONDO:0015517.

Allele frequency attached by ClinVar (database versions not stated): gnomAD exomes 0.00002 and 0.00004; ExAC 0.00004.
gnomAD v4.1: 22 of 1,613,814 alleles (0.0014%); highest among the groups gnomAD compares: South Asian, 0.024%; no homozygotes.

Submissions (2):

Labcorp Genetics (formerly Invitae), Labcorp
Classification: Uncertain significance for Common variable immunodeficiency. Last evaluated: 2024-03-27. Review status: criteria provided, single submitter. Criteria: Invitae Variant Classification Sherloc (09022015). Collection method: clinical testing. Allele origin: germline.
Comment: This sequence change replaces glycine, which is neutral and non-polar, with alanine, which is neutral and non-polar, at codon 221 of the TNFSF12 protein (p.Gly221Ala). This variant is present in population databases (rs764630895, gnomAD 0.03%). This variant has not been reported in the literature in individuals affected with TNFSF12-related conditions. ClinVar contains an entry for this variant (Variation ID: 1427587). An algorithm developed to predict the effect of missense changes on protein structure and function (PolyPhen-2) suggests that this variant is likely to be disruptive. In summary, the available evidence is currently insufficient to determine the role of this variant in disease. Therefore, it has been classified as a Variant of Uncertain Significance.

Ambry Genetics
Classification: Uncertain significance. Last evaluated: 2023-04-25. Review status: criteria provided, single submitter. Criteria: Ambry Variant Classification Scheme 2023. Collection method: clinical testing. Allele origin: germline.

NM_003809.3(TNFSF12):c.662G>C (p.Gly221Ala)

Genes: TNFSF12 (TNF superfamily member 12; plus strand), TNFSF12-TNFSF13 (TNFSF12-TNFSF13 readthrough; plus strand). Cytogenetic location: 17p13.1.
Variant type: single nucleotide variant.
Coding change: c.662G>C on transcript NM_003809.3 (MANE Select); coding-DNA position 662, G replaced by C.
Protein change: p.Gly221Ala; replaces glycine 221 with alanine.
Molecular consequence: missense variant. On other transcripts: non-coding transcript variant (1), intron variant (1).
Genome position (GRCh38, 1-based): chr17:7,557,262, G>C. VCF-style: chr17-7557262-G-C. GRCh37 (hg19) VCF-style: chr17-7460579-G-C.
Other names: c.498+360G>C (NM_172089.4); short protein forms G221A.
Identifiers: ClinVar variation 1427587 (VCV001427587.9), dbSNP rs764630895, ClinGen allele CA8350896.